The following is an entry in ClinVar:

ClinVar aggregate classification (germline): Uncertain significance (1 of 4 stars; one submission).

Allele frequency attached by ClinVar (database versions not stated): gnomAD exomes below 0.00001.
gnomAD v4.1: 2 of 1,209,221 alleles (0.00017%); highest among the groups gnomAD compares: East Asian, 0.003%; no homozygotes.

Submission:

CeGaT Center for Human Genetics Tuebingen
Classification: Uncertain significance. Last evaluated: 2023-08-01. Review status: criteria provided, single submitter. Criteria: CeGaT Center For Human Genetics Tuebingen Variant Classification Criteria Version 2. Collection method: clinical testing. Allele origin: germline. Affected: yes. Observed: 2 variant alleles.
Comment: PHKA2: PM2

NM_000292.3(PHKA2):c.3124C>T (p.Pro1042Ser)

Gene: PHKA2 (phosphorylase kinase regulatory subunit alpha 2; minus strand). Cytogenetic location: Xp22.13.
Variant type: single nucleotide variant.
Coding change: c.3124C>T on transcript NM_000292.3 (MANE Select); coding-DNA position 3124, C replaced by T.
Protein change: p.Pro1042Ser; replaces proline 1042 with serine.
Molecular consequence: missense variant.
Genome position (GRCh38, 1-based): chrX:18,897,321, G>A on the plus strand (C>T on the coding strand, the complement: PHKA2 is on the minus strand). VCF-style: chrX-18897321-G-A. GRCh37 (hg19) VCF-style: chrX-18915439-G-A.
Other names: short protein forms P1042S.
Identifiers: ClinVar variation 2579089 (VCV002579089.25), dbSNP rs2518543766, ClinGen allele CA412379398.